The following is an entry in ClinVar:

NM_015693.4(INTU):c.651A>T (p.Gly217=)

Gene: INTU (inturned planar cell polarity protein; plus strand). Cytogenetic location: 4q28.1.
Variant type: single nucleotide variant.
Coding change: c.651A>T on transcript NM_015693.4 (MANE Select); coding-DNA position 651, A replaced by T.
Protein change: p.Gly217=; no amino-acid change (glycine 217 retained).
Molecular consequence: synonymous variant.
Genome position (GRCh38, 1-based): chr4:127,644,025, A>T. VCF-style: chr4-127644025-A-T. GRCh37 (hg19) VCF-style: chr4-128565180-A-T.
Other names: c.651A>T (NM_015693.3).
Identifiers: ClinVar variation 2413604 (VCV002413604.10), dbSNP rs150944428, ClinGen allele CA3074831.

ClinVar aggregate classification (germline): Likely benign. Review status: criteria provided, single submitter (1 of 4 stars). 2 submissions from 2 submitters: Likely benign (1). 1 of the submissions does not count toward it. Last evaluated 2025-07-27.

Conditions:
INTU-related disorder. Also called: INTU-related condition.

Allele frequency attached by ClinVar (database versions not stated): gnomAD 0.00007; ExAC 0.00008; ESP Exome Variant Server 0.00008; TOPMed 0.00008; gnomAD exomes 0.00011; 1000 Genomes Project 30x 0.00016; 1000 Genomes Project 0.00020.
gnomAD v4.1: 169 of 1,614,078 alleles (0.01%); highest among the groups gnomAD compares: Non-Finnish European, 0.013%; no homozygotes.

Submissions (2):

Labcorp Genetics (formerly Invitae), Labcorp
Classification: Likely benign. Last evaluated: 2025-07-27. Review status: criteria provided, single submitter. Criteria: Invitae Variant Classification Sherloc (09022015). Collection method: clinical testing. Allele origin: germline.

PreventionGenetics, part of Exact Sciences
Classification: Likely benign for INTU-related condition. Last evaluated: 2019-04-24. Review status: no assertion criteria provided. Collection method: clinical testing. Allele origin: germline. Not counted in ClinVar's aggregate classification.
Comment: This variant is classified as likely benign based on ACMG/AMP sequence variant interpretation guidelines (Richards et al. 2015 PMID: 25741868, with internal and published modifications).